The following continues an entry in ClinVar:

NM_000410.4(HFE):c.187C>G (p.His63Asp)

ClinVar aggregate classification (germline): Conflicting classifications of pathogenicity; other. Pathogenic (41); Likely pathogenic (2); Pathogenic, low penetrance (1); Uncertain significance (2).

Submissions 59 to 60 of 60:

Laboratory for Molecular Medicine, Mass General Brigham Personalized Medicine
Classification: Uncertain significance. Last evaluated: 2020-03-05. Review status: flagged submission. Criteria: LMM Criteria. Collection method: clinical testing. Allele origin: germline. Observed: 71 variant alleles. Not counted in ClinVar's aggregate classification.
Comment: proposed classification - variant undergoing re-assessment, contact laboratory
ClinVar note: Reason: Outlier claim with insufficient supporting evidence

Pathology and Clinical Laboratory Medicine, King Fahad Medical City
Classification: Benign. Review status: flagged submission. Criteria: ACMG Guidelines, 2015. Collection method: clinical testing. Allele origin: germline. Affected: no. Observed: 601 variant alleles. Not counted in ClinVar's aggregate classification.
ClinVar note: Reason: Outlier claim with insufficient supporting evidence

Literature cited by the submitters: PubMed 11479183 (cited by Labcorp Genetics (formerly Invitae), Labcorp); PubMed 24729993 (cited by 3 submitters); PubMed 11399207 (cited by Labcorp Genetics (formerly Invitae), Labcorp); PubMed 16132052 (cited by Labcorp Genetics (formerly Invitae), Labcorp); PubMed 11358905 (cited by 3 submitters); PubMed 9162021 (cited by 3 submitters); PubMed 9356458 (cited by 4 submitters); PubMed 12429850 (cited by 3 submitters); PubMed 14673107 (cited by 4 submitters); PubMed 31335359 (cited by Center for Genomic Medicine, Rigshospitalet, Copenhagen University Hospital); PubMed 19159930 (cited by 5 submitters); PubMed 8696333 (cited by 7 submitters); PubMed 11874997 (cited by Illumina Laboratory Services, Illumina and Laboratory for Molecular Medicine, Mass General Brigham Personalized Medicine); PubMed 19554541 (cited by 4 submitters); PubMed 26365338 (cited by Illumina Laboratory Services, Illumina); PubMed 20301613 (cited by Illumina Laboratory Services, Illumina); PubMed 20560808 (cited by AiLife Diagnostics); PubMed 17042772 (cited by AiLife Diagnostics); PubMed 23178241 (cited by AiLife Diagnostics); PubMed 21349849 (cited by AiLife Diagnostics and Women's Health and Genetics/Laboratory Corporation of America, LabCorp); PubMed 17308297 (cited by AiLife Diagnostics); PubMed 17210810 (cited by AiLife Diagnostics); PubMed 16186539 (cited by AiLife Diagnostics); PubMed 15546588 (cited by AiLife Diagnostics); PubMed 26975792 (cited by Genomic Diagnostic Laboratory, Division of Genomic Diagnostics, Children's Hospital of Philadelphia); PubMed 26153218 (cited by Victorian Clinical Genetics Services, Murdoch Childrens Research Institute); PubMed 31980526 (cited by Women's Health and Genetics/Laboratory Corporation of America, LabCorp); PubMed 21243428 (cited by Women's Health and Genetics/Laboratory Corporation of America, LabCorp); PubMed 11812557 (cited by 3 submitters); PubMed 19560233 (cited by Women's Health and Genetics/Laboratory Corporation of America, LabCorp); PubMed 23429074 (cited by Women's Health and Genetics/Laboratory Corporation of America, LabCorp); PubMed 9462220 (cited by Myriad Genetics, Inc.); PubMed 11904676 (cited by Myriad Genetics, Inc. and OMIM); Hamosh, A. Personal Communication. 2023. Baltimore, Md. (cited by OMIM); PubMed 8896550 (cited by OMIM); PubMed 11532995 (cited by OMIM); PubMed 9106528 (cited by OMIM); PubMed 11423500 (cited by OMIM); PubMed 15347835 (cited by OMIM); PubMed 18566337 (cited by OMIM); PubMed 12885340 (cited by Center for Computational Genomics and Data Science, University of Alabama); PubMed 31220083 (cited by Center for Computational Genomics and Data Science, University of Alabama); PubMed 28617828 (cited by Center for Computational Genomics and Data Science, University of Alabama); PubMed 17600748 (cited by Center for Computational Genomics and Data Science, University of Alabama); PubMed 28443246 (cited by Center for Computational Genomics and Data Science, University of Alabama); PubMed 30291871 (cited by Center for Computational Genomics and Data Science, University of Alabama).